The following is an entry in ClinVar:

NM_000093.5(COL5A1):c.1990-9C>T

Gene: COL5A1 (collagen type V alpha 1 chain; plus strand). Cytogenetic location: 9q34.3.
Variant type: single nucleotide variant.
Coding change: c.1990-9C>T on transcript NM_000093.5 (MANE Select); 9 bases into the intron before coding-DNA position 1990, C replaced by T.
Molecular consequence: intron variant.
Genome position (GRCh38, 1-based): chr9:134,763,684, C>T. VCF-style: chr9-134763684-C-T. GRCh37 (hg19) VCF-style: chr9-137655530-C-T.
Other names: c.1990-9C>T (NM_001278074.1).
Identifiers: ClinVar variation 2155903 (VCV002155903.5), dbSNP rs2490653591, ClinGen allele CA2549453488.

ClinVar aggregate classification (germline): Likely benign. Review status: criteria provided, multiple submitters, no conflicts (2 of 4 stars). 2 submissions from 2 submitters: Likely benign (2). Last evaluated 2026-01-16.

Conditions:
Ehlers-Danlos syndrome, classic type, 1 (EDSCL1). Also called: Ehlers-Danlos Syndrome, Classic Type, COL5A1-Related; EHLERS-DANLOS SYNDROME, GRAVIS TYPE; EHLERS-DANLOS SYNDROME, SEVERE CLASSIC TYPE; Ehlers-Danlos syndrome, type 1; EDS I. Identifiers: MedGen C0268335, MONDO:0019567, OMIM 130000.

Allele frequency attached by ClinVar (database versions not stated): gnomAD exomes below 0.00001.
gnomAD v4.1: 2 of 1,613,452 alleles (0.00012%); highest among the groups gnomAD compares: South Asian, 0.0011%; no homozygotes.

Submissions (2):

Women's Health and Genetics/Laboratory Corporation of America, LabCorp
Classification: Likely benign. Last evaluated: 2026-01-16. Review status: criteria provided, single submitter. Criteria: LabCorp Variant Classification Summary - May 2015. Collection method: clinical testing. Allele origin: germline.
Comment: Variant summary: COL5A1 c.1990-9C>T alters a non-conserved nucleotide located at a position not widely known to affect splicing. Consensus agreement among computation tools predict no significant impact on normal splicing. However, these predictions have yet to be confirmed by functional studies. The variant was absent in 251116 control chromosomes. The available data on variant occurrences in the general population are insufficient to allow any conclusion about variant significance. To our knowledge, no occurrence of c.1990-9C>T in individuals affected with COL5A1-related conditions and no experimental evidence demonstrating its impact on protein function have been reported. ClinVar contains an entry for this variant (Variation ID: 2155903). Based on the evidence outlined above, the variant was classified as likely benign.

Labcorp Genetics (formerly Invitae), Labcorp
Classification: Likely benign for Ehlers-Danlos syndrome, classic type, 1. Last evaluated: 2025-11-19. Review status: criteria provided, single submitter. Criteria: Invitae Variant Classification Sherloc (09022015). Collection method: clinical testing. Allele origin: germline.

Literature cited by the submitters: PubMed 33737726 (cited by Women's Health and Genetics/Laboratory Corporation of America, LabCorp).